The following is an entry in ClinVar:

NM_022552.5(DNMT3A):c.1003A>G (p.Lys335Glu)

Gene: DNMT3A (DNA methyltransferase 3 alpha; minus strand). Cytogenetic location: 2p23.3.
Variant type: single nucleotide variant.
Coding change: c.1003A>G on transcript NM_022552.5 (MANE Select); coding-DNA position 1003, A replaced by G.
Protein change: p.Lys335Glu; replaces lysine 335 with glutamic acid.
Molecular consequence: missense variant. On other transcripts: non-coding transcript variant (1).
Genome position (GRCh38, 1-based): chr2:25,247,602, T>C on the plus strand (A>G on the coding strand, the complement: DNMT3A is on the minus strand). VCF-style: chr2-25247602-T-C. GRCh37 (hg19) VCF-style: chr2-25470471-T-C.
Other names: c.547A>G, p.Lys183Glu (NM_001320893.1); c.334A>G, p.Lys112Glu (NM_001375819.1); c.436A>G, p.Lys146Glu (NM_153759.3); c.1003A>G, p.Lys335Glu (NM_175629.2); short protein forms K112E, K146E, K183E, K335E.
Identifiers: ClinVar variation 1209530 (VCV001209530.3), dbSNP rs2149307223, ClinGen allele CA346074508.

ClinVar aggregate classification (germline): Uncertain significance (1 of 4 stars; one submission).

Submission:

GeneDx
Classification: Uncertain significance. Last evaluated: 2020-05-06. Review status: criteria provided, single submitter. Criteria: GeneDx Variant Classification Process June 2021. Collection method: clinical testing. Allele origin: germline. Affected: yes.
Comment: Not observed in large population cohorts (Lek et al., 2016); In silico analysis supports that this missense variant does not alter protein structure/function; Has not been previously published as pathogenic or benign to our knowledge